The following is an entry in ClinVar:

ClinVar aggregate classification (germline): Uncertain significance. Review status: criteria provided, single submitter (1 of 4 stars). 2 submissions from 2 submitters: Uncertain significance (1). 1 of the submissions does not count toward it. Last evaluated 2024-12-24.

Conditions:
Inborn genetic diseases. Identifiers: MedGen C0950123, MeSH D030342.
IFT74-related disorder. Also called: IFT74-related condition; IFT74-Related Disorders.

Submissions (2):

Ambry Genetics
Classification: Uncertain significance for Inborn genetic diseases. Last evaluated: 2024-12-24. Review status: criteria provided, single submitter. Criteria: Ambry Variant Classification Scheme 2023. Collection method: clinical testing. Allele origin: germline.

PreventionGenetics, part of Exact Sciences
Classification: Uncertain significance for IFT74-related condition. Last evaluated: 2023-11-02. Review status: no assertion criteria provided. Collection method: clinical testing. Allele origin: germline. Not counted in ClinVar's aggregate classification.
Comment: The IFT74 c.7A>G variant is predicted to result in the amino acid substitution p.Ser3Gly. To our knowledge, this variant has not been reported in the literature or in a large population database, indicating this variant is rare. At this time, the clinical significance of this variant is uncertain due to the absence of conclusive functional and genetic evidence.

NM_025103.4(IFT74):c.7A>G (p.Ser3Gly)

Gene: IFT74 (intraflagellar transport 74; plus strand). Cytogenetic location: 9p21.2.
Variant type: single nucleotide variant.
Coding change: c.7A>G on transcript NM_025103.4 (MANE Select); coding-DNA position 7, A replaced by G.
Protein change: p.Ser3Gly; replaces serine 3 with glycine.
Molecular consequence: missense variant.
Genome position (GRCh38, 1-based): chr9:26,961,974, A>G. VCF-style: chr9-26961974-A-G. GRCh37 (hg19) VCF-style: chr9-26961972-A-G.
Other names: c.7A>G, p.Ser3Gly (NM_001099222.3, NM_001099223.3, NM_001099224.3 and 1 more transcripts); c.7A>G (NM_001099222.1); short protein forms S3G.
Identifiers: ClinVar variation 3054820 (VCV003054820.3), dbSNP rs2489277763, ClinGen allele CA373119784.